The following is an entry in ClinVar:

NM_004655.4(AXIN2):c.1514_1522dup (p.Thr507_Lys508insIleValThr)

Gene: AXIN2 (axin 2; minus strand). Cytogenetic location: 17q24.1.
Variant type: Duplication.
Coding change: c.1514_1522dup on transcript NM_004655.4 (MANE Select); coding-DNA positions 1514 to 1522, 9 bases duplicated (TTGTGACCA; older notation c.1514_1522dupTTGTGACCA).
Protein change: p.Thr507_Lys508insIleValThr.
Molecular consequence: inframe insertion. On other transcripts: inframe indel (1).
Genome position (GRCh38, 1-based): chr17:65,537,514-65,537,522, TGGTCACAA duplicated on the plus strand (TTGTGACCA on the coding strand, the reverse complement: AXIN2 is on the minus strand). VCF-style (leftmost placement, unchanged base first): chr17-65537513-T-TTGGTCACAA. GRCh37 (hg19) VCF-style: chr17-63533631-T-TTGGTCACAA.
Other names: c.1514_1522dup, p.Thr507_Lys508insIleValThr (NM_001363813.1); c.1514_1522dupTTGTGACCA (NM_004655.3).
Identifiers: ClinVar variation 3224372 (VCV003224372.3), dbSNP rs2509413654, ClinGen allele CA2825002588.
Genomic context (GRCh38, chr17:65,537,513, plus strand): 5'-TTGGTCTTGGGGACGGCATGGTGGTGGATGTAGTGGTGGTGGACATGCTTCGTCGTCTGC[T>TTGGTCACAA]TGGTCACAAAGCCTTTGCCCCCGAGGAGGGGGCAGGCGCCCGGCGAGGCGGCCGCGGGAG-3'

ClinVar aggregate classification (germline): Uncertain significance. Review status: criteria provided, multiple submitters, no conflicts (2 of 4 stars). 2 submissions from 2 submitters: Uncertain significance (2). Last evaluated 2025-01-28.

Conditions:
Oligodontia-cancer predisposition syndrome. Also called: TOOTH AGENESIS-COLORECTAL CANCER SYNDROME. Identifiers: Orphanet 300576, MedGen C1837750, MONDO:0012075, OMIM 608615. Disease mechanism: loss of function.
Hereditary cancer-predisposing syndrome. Also called: Tumor predisposition; Hereditary neoplastic syndrome; Hereditary Cancer Syndrome; Neoplastic Syndromes, Hereditary. Identifiers: Orphanet 140162, MedGen C0027672, MeSH D009386, MONDO:0015356.

Submissions (2):

Labcorp Genetics (formerly Invitae), Labcorp
Classification: Uncertain significance for Oligodontia-cancer predisposition syndrome. Last evaluated: 2025-01-28. Review status: criteria provided, single submitter. Criteria: Invitae Variant Classification Sherloc (09022015). Collection method: clinical testing. Allele origin: germline.
Comment: This variant, c.1514_1522dup, results in the insertion of 3 amino acid(s) of the AXIN2 protein (p.Thr507_Lys508insIleValThr), but otherwise preserves the integrity of the reading frame. This variant is not present in population databases (gnomAD no frequency). This variant has not been reported in the literature in individuals affected with AXIN2-related conditions. ClinVar contains an entry for this variant (Variation ID: 3224372). In summary, the available evidence is currently insufficient to determine the role of this variant in disease. Therefore, it has been classified as a Variant of Uncertain Significance.

Ambry Genetics
Classification: Uncertain significance for Hereditary cancer-predisposing syndrome. Last evaluated: 2024-01-24. Review status: criteria provided, single submitter. Criteria: Ambry Variant Classification Scheme 2023. Collection method: clinical testing. Allele origin: germline.
Comment: The c.1514_1522dupTTGTGACCA variant (also known as p.T507_K508insIVT), located in coding exon 5 of the AXIN2 gene, results from an in-frame duplication of TTGTGACCA at nucleotide positions 1514 to 1522. This results in the insertion of 3 extra residues (IVT) between codons 507 and 508. This amino acid region is not well conserved in available vertebrate species. In addition, the in silico prediction for this alteration is inconclusive (Choi Y et al. PLoS ONE. 2012; 7(10):e46688). Based on the available evidence, the clinical significance of this alteration remains unclear.